The following is an entry in ClinVar:

ClinVar aggregate classification (germline): Pathogenic (1 of 4 stars; one submission).

Allele frequency attached by ClinVar (database versions not stated): TOPMed below 0.00001.

Submission:

Labcorp Genetics (formerly Invitae), Labcorp
Classification: Pathogenic. Last evaluated: 2025-08-31. Review status: criteria provided, single submitter. Criteria: Invitae Variant Classification Sherloc (09022015). Collection method: clinical testing. Allele origin: germline.
Comment: This sequence change creates a premature translational stop signal (p.Glu17*) in the ORC6 gene. It is expected to result in an absent or disrupted protein product. Loss-of-function variants in ORC6 are known to be pathogenic (PMID: 21358632, 25691413). The frequency data for this variant in the population databases is considered unreliable, as metrics indicate poor data quality at this position in the gnomAD database. This variant has not been reported in the literature in individuals affected with ORC6-related conditions. ClinVar contains an entry for this variant (Variation ID: 1924543). For these reasons, this variant has been classified as Pathogenic.

Literature cited by the submitters: PubMed 21358632; PubMed 25691413.

NM_014321.4(ORC6):c.49G>T (p.Glu17Ter)

Gene: ORC6 (origin recognition complex subunit 6; plus strand). Cytogenetic location: 16q11.2.
Variant type: single nucleotide variant.
Coding change: c.49G>T on transcript NM_014321.4 (MANE Select); coding-DNA position 49, G replaced by T.
Protein change: p.Glu17Ter; replaces glutamic acid 17 with a stop codon.
Molecular consequence: nonsense. On other transcripts: non-coding transcript variant (1).
Genome position (GRCh38, 1-based): chr16:46,689,754, G>T. VCF-style: chr16-46689754-G-T. GRCh37 (hg19) VCF-style: chr16-46723666-G-T.
Other names: short protein forms E17*.
Identifiers: ClinVar variation 1924543 (VCV001924543.5), dbSNP rs1476968223, ClinGen allele CA395817612.